The following is an entry in ClinVar:

NM_203447.4(DOCK8):c.394G>C (p.Val132Leu)

Gene: DOCK8 (dedicator of cytokinesis 8; plus strand). Cytogenetic location: 9p24.3.
Variant type: single nucleotide variant.
Coding change: c.394G>C on transcript NM_203447.4 (MANE Select); coding-DNA position 394, G replaced by C.
Protein change: p.Val132Leu; replaces valine 132 with leucine.
Molecular consequence: missense variant.
Genome position (GRCh38, 1-based): chr9:289,571, G>C. VCF-style: chr9-289571-G-C. GRCh37 (hg19) VCF-style: chr9-289571-G-C.
Other names: c.190G>C, p.Val64Leu (NM_001190458.2, NM_001193536.2); short protein forms V64L, V132L.
Identifiers: ClinVar variation 840417 (VCV000840417.10), dbSNP rs375178634, ClinGen allele CA372757300.

ClinVar aggregate classification (germline): Uncertain significance (1 of 4 stars; one submission).

Conditions:
Combined immunodeficiency due to DOCK8 deficiency (HIES2). Also called: HIES autosomal recessive; HYPER-IgE SYNDROME 2, AUTOSOMAL RECESSIVE, WITH RECURRENT INFECTIONS; DOCK8 Deficiency; Hyper-IgE recurrent infection syndrome, autosomal recessive; HYPER-IgE RECURRENT INFECTION SYNDROME 2, AUTOSOMAL RECESSIVE. Identifiers: Orphanet 217390, MedGen C4722305, MONDO:0009478, OMIM 243700.

Submission:

Labcorp Genetics (formerly Invitae), Labcorp
Classification: Uncertain significance for Combined immunodeficiency due to DOCK8 deficiency. Last evaluated: 2024-05-14. Review status: criteria provided, single submitter. Criteria: Invitae Variant Classification Sherloc (09022015). Collection method: clinical testing. Allele origin: germline.
Comment: This sequence change replaces valine, which is neutral and non-polar, with leucine, which is neutral and non-polar, at codon 132 of the DOCK8 protein (p.Val132Leu). This variant is not present in population databases (gnomAD no frequency). This variant has not been reported in the literature in individuals affected with DOCK8-related conditions. ClinVar contains an entry for this variant (Variation ID: 840417). Algorithms developed to predict the effect of missense changes on protein structure and function output the following: SIFT: "Not Available"; PolyPhen-2: "Benign"; Align-GVGD: "Not Available". The leucine amino acid residue is found in multiple mammalian species, which suggests that this missense change does not adversely affect protein function. In summary, the available evidence is currently insufficient to determine the role of this variant in disease. Therefore, it has been classified as a Variant of Uncertain Significance.